The following is an entry in ClinVar:

NM_001291415.2(KDM6A):c.2527A>G (p.Asn843Asp)

Gene: KDM6A (lysine demethylase 6A; plus strand). Cytogenetic location: Xp11.3.
Variant type: single nucleotide variant.
Coding change: c.2527A>G on transcript NM_001291415.2 (MANE Select); coding-DNA position 2527, A replaced by G.
Protein change: p.Asn843Asp; replaces asparagine 843 with aspartic acid.
Molecular consequence: missense variant. On other transcripts: non-coding transcript variant (1).
Genome position (GRCh38, 1-based): chrX:45,070,026, A>G. VCF-style: chrX-45070026-A-G. GRCh37 (hg19) VCF-style: chrX-44929271-A-G.
Other names: c.2392A>G, p.Asn798Asp (NM_001291416.2); c.2236A>G, p.Asn746Asp (NM_001291417.2); c.2134A>G, p.Asn712Asp (NM_001291418.2); c.1483A>G, p.Asn495Asp (NM_001291421.2); c.2269A>G, p.Asn757Asp (NM_001410742.1); c.2371A>G, p.Asn791Asp (NM_021140.4); short protein forms N757D, N495D, N712D, N746D, N843D, N791D, N798D.
Identifiers: ClinVar variation 2150385 (VCV002150385.4), dbSNP rs2044746949, ClinGen allele CA412794760.

ClinVar aggregate classification (germline): Uncertain significance (1 of 4 stars; one submission).

Conditions:
Kabuki syndrome 2 (KABUK2). Also called: KDM6A-Related Kabuki Syndrome. Identifiers: Orphanet 2322, MedGen C3275495, MONDO:0010465, OMIM 300867.

Allele frequency attached by ClinVar (database versions not stated): TOPMed below 0.00001.

Submission:

Labcorp Genetics (formerly Invitae), Labcorp
Classification: Uncertain significance for Kabuki syndrome 2. Last evaluated: 2024-09-12. Review status: criteria provided, single submitter. Criteria: Invitae Variant Classification Sherloc (09022015). Collection method: clinical testing. Allele origin: germline.
Comment: This sequence change replaces asparagine, which is neutral and polar, with aspartic acid, which is acidic and polar, at codon 791 of the KDM6A protein (p.Asn791Asp). This variant is not present in population databases (gnomAD no frequency). This variant has not been reported in the literature in individuals affected with KDM6A-related conditions. ClinVar contains an entry for this variant (Variation ID: 2150385). Invitae Evidence Modeling of protein sequence and biophysical properties (such as structural, functional, and spatial information, amino acid conservation, physicochemical variation, residue mobility, and thermodynamic stability) indicates that this missense variant is not expected to disrupt KDM6A protein function with a negative predictive value of 80%. In summary, the available evidence is currently insufficient to determine the role of this variant in disease. Therefore, it has been classified as a Variant of Uncertain Significance.